The following is an entry in ClinVar:

Conditions:
Long QT syndrome 5 (LQT5). Identifiers: Orphanet 101016, Orphanet 768, MedGen C1867904, MONDO:0013372, OMIM 613695.

Submission:

Roden Lab, Vanderbilt University Medical Center
No classification provided (evidence only). Condition: Long QT syndrome 5. Review status: no classification provided. Collection method: in vitro. Allele origin: not applicable. Functional consequence: Effect on ion channel function.
ClinVar note: "not provided" was previously submitted as the classification for the variant. However, the classification appeared to be based only on an observation of functional data so it was converted to no classification on 2025-07-30.

NM_000219.6(KCNE1):c.285C>G (p.Val95=)

Gene: KCNE1 (potassium voltage-gated channel subfamily E regulatory subunit 1; minus strand). Cytogenetic location: 21q22.12.
Variant type: single nucleotide variant.
Coding change: c.285C>G on transcript NM_000219.6 (MANE Select); coding-DNA position 285, C replaced by G.
Protein change: p.Val95=; no amino-acid change (valine 95 retained).
Molecular consequence: synonymous variant.
Genome position (GRCh38, 1-based): chr21:34,449,350, G>C on the plus strand (C>G on the coding strand, the complement: KCNE1 is on the minus strand). VCF-style: chr21-34449350-G-C. GRCh37 (hg19) VCF-style: chr21-35821648-G-C.
Other names: c.285C>G, p.Val95= (NM_001127668.4, NM_001127669.4, NM_001127670.4 and 4 more transcripts).
Identifiers: ClinVar variation 3374534 (VCV003374534.2).
Genomic context (GRCh38, chr21:34,449,350, plus strand): 5'-TATGGCCAGATGGTTTTCAACGACATAGCACGACCTGTAGCTCTCCAGGACCCGGGCCTG[G>C]ACATAGGCCTTGTCCTTCTCTTGCCAGGCATCGGACTCGATGTAGACGTTGAATGGGTCG-3'
Protein context (NP_000210.2, residues 85-105): DAWQEKDKAY[Val95=]QARVLESYRS